The following is an entry in ClinVar:

ClinVar aggregate classification (germline): Uncertain significance (1 of 4 stars; one submission).

gnomAD v4.1: 1 of 1,613,486 alleles (0.000062%); highest among the groups gnomAD compares: South Asian, 0.0011%; no homozygotes.

Submission:

Labcorp Genetics (formerly Invitae), Labcorp
Classification: Uncertain significance. Last evaluated: 2024-09-18. Review status: criteria provided, single submitter. Criteria: Invitae Variant Classification Sherloc (09022015). Collection method: clinical testing. Allele origin: germline.
Comment: This sequence change replaces serine, which is neutral and polar, with cysteine, which is neutral and slightly polar, at codon 51 of the CLCN7 protein (p.Ser51Cys). This variant is present in population databases (no rsID available, gnomAD 0.003%). This variant has not been reported in the literature in individuals affected with CLCN7-related conditions. Invitae Evidence Modeling of protein sequence and biophysical properties (such as structural, functional, and spatial information, amino acid conservation, physicochemical variation, residue mobility, and thermodynamic stability) indicates that this missense variant is not expected to disrupt CLCN7 protein function with a negative predictive value of 95%. In summary, the available evidence is currently insufficient to determine the role of this variant in disease. Therefore, it has been classified as a Variant of Uncertain Significance.

NM_001287.6(CLCN7):c.152C>G (p.Ser51Cys)

Gene: CLCN7 (chloride voltage-gated channel 7; minus strand). Cytogenetic location: 16p13.3.
Variant type: single nucleotide variant.
Coding change: c.152C>G on transcript NM_001287.6 (MANE Select); coding-DNA position 152, C replaced by G.
Protein change: p.Ser51Cys; replaces serine 51 with cysteine.
Molecular consequence: missense variant. On other transcripts: intron variant (1).
Genome position (GRCh38, 1-based): chr16:1,465,328, G>C on the plus strand (C>G on the coding strand, the complement: CLCN7 is on the minus strand). VCF-style: chr16-1465328-G-C. GRCh37 (hg19) VCF-style: chr16-1515329-G-C.
Other names: c.142-3654C>G (NM_001114331.3); short protein forms S51C.
Identifiers: ClinVar variation 3620007 (VCV003620007.2).